The following is an entry in ClinVar:

NM_205861.3(DHDDS):c.251A>G (p.Lys84Arg)

Gene: DHDDS (dehydrodolichyl diphosphate synthase subunit; plus strand). Cytogenetic location: 1p36.11.
Variant type: single nucleotide variant.
Coding change: c.251A>G on transcript NM_205861.3 (MANE Select); coding-DNA position 251, A replaced by G.
Protein change: p.Lys84Arg; replaces lysine 84 with arginine.
Molecular consequence: missense variant. On other transcripts: 5 prime UTR variant (1).
Genome position (GRCh38, 1-based): chr1:26,442,801, A>G. VCF-style: chr1-26442801-A-G. GRCh37 (hg19) VCF-style: chr1-26769292-A-G.
Other names: c.251A>G, p.Lys84Arg (NM_001243564.2, NM_001243565.2, NM_024887.4); c.-29A>G (NM_001319959.2); c.251A>G (NM_024887.3); short protein forms K84R.
Identifiers: ClinVar variation 2158462 (VCV002158462.5), dbSNP rs775005256, ClinGen allele CA19770396.

ClinVar aggregate classification (germline): Uncertain significance. Review status: criteria provided, multiple submitters, no conflicts (2 of 4 stars). 3 submissions from 3 submitters: Uncertain significance (2). 1 of the submissions does not count toward it. Last evaluated 2025-09-19.

Conditions:
Retinitis pigmentosa 59 (RP59). Identifiers: Orphanet 791, MedGen C3151227, MONDO:0013468, OMIM 613861.
Retinal dystrophy. Also called: Inherited retinal dystrophy. Identifiers: Orphanet 71862, MedGen C0854723, MeSH D058499, MONDO:0019118, HP:0000556.
Inborn genetic diseases. Identifiers: MedGen C0950123, MeSH D030342.

Allele frequency attached by ClinVar (database versions not stated): gnomAD 0.00001; gnomAD exomes 0.00001; TOPMed 0.00001.
gnomAD v4.1: 16 of 1,614,032 alleles (0.00099%); highest among the groups gnomAD compares: African/African-American, 0.0013%; no homozygotes.

Submissions (3):

Labcorp Genetics (formerly Invitae), Labcorp
Classification: Uncertain significance for Retinitis pigmentosa 59. Last evaluated: 2025-09-19. Review status: criteria provided, single submitter. Criteria: Invitae Variant Classification Sherloc (09022015). Collection method: clinical testing. Allele origin: germline.
Comment: This sequence change replaces lysine, which is basic and polar, with arginine, which is basic and polar, at codon 84 of the DHDDS protein (p.Lys84Arg). This variant is not present in population databases (gnomAD no frequency). This variant has not been reported in the literature in individuals affected with DHDDS-related conditions. ClinVar contains an entry for this variant (Variation ID: 2158462). Invitae Evidence Modeling of protein sequence and biophysical properties (such as structural, functional, and spatial information, amino acid conservation, physicochemical variation, residue mobility, and thermodynamic stability) indicates that this missense variant is not expected to disrupt DHDDS protein function with a negative predictive value of 80%. In summary, the available evidence is currently insufficient to determine the role of this variant in disease. Therefore, it has been classified as a Variant of Uncertain Significance.

Ambry Genetics
Classification: Uncertain significance for Inborn genetic diseases. Last evaluated: 2024-05-01. Review status: criteria provided, single submitter. Criteria: Ambry Variant Classification Scheme 2023. Collection method: clinical testing. Allele origin: germline.

Institute of Human Genetics, Univ. Regensburg, Univ. Regensburg
Classification: Uncertain significance for Retinal dystrophy. Last evaluated: 2018-01-01. Review status: no assertion criteria provided. Criteria: ACMG Guidelines, 2015. Collection method: clinical testing. Allele origin: germline. Affected: yes. Not counted in ClinVar's aggregate classification.